The following is an entry in ClinVar:

NM_004924.6(ACTN4):c.1324G>A (p.Glu442Lys)

Gene: ACTN4 (actinin alpha 4; plus strand). Cytogenetic location: 19q13.2.
Variant type: single nucleotide variant.
Coding change: c.1324G>A on transcript NM_004924.6 (MANE Select); coding-DNA position 1324, G replaced by A.
Protein change: p.Glu442Lys; replaces glutamic acid 442 with lysine.
Molecular consequence: missense variant.
Genome position (GRCh38, 1-based): chr19:38,721,570, G>A. VCF-style: chr19-38721570-G-A. GRCh37 (hg19) VCF-style: chr19-39212210-G-A.
Other names: c.1324G>A, p.Glu442Lys (NM_001322033.2, NM_001411143.1); c.1324G>A (NM_004924.5); short protein forms E442K.
Identifiers: ClinVar variation 2039029 (VCV002039029.6), dbSNP rs138868674, ClinGen allele CA9417609.

ClinVar aggregate classification (germline): Likely benign. Review status: criteria provided, single submitter (1 of 4 stars). 2 submissions from 2 submitters: Likely benign (1). 1 of the submissions does not count toward it. Last evaluated 2025-12-29.

Conditions:
ACTN4-related disorder. Also called: ACTN4-related condition.

Allele frequency attached by ClinVar (database versions not stated): gnomAD exomes 0.00004; ExAC 0.00009; ESP Exome Variant Server 0.00031; gnomAD 0.00031; TOPMed 0.00034.
gnomAD v4.1: 117 of 1,613,928 alleles (0.0072%); highest among the groups gnomAD compares: African/African-American, 0.091%; no homozygotes.

Submissions (2):

Labcorp Genetics (formerly Invitae), Labcorp
Classification: Likely benign. Last evaluated: 2025-12-29. Review status: criteria provided, single submitter. Criteria: Invitae Variant Classification Sherloc (09022015). Collection method: clinical testing. Allele origin: germline.

PreventionGenetics, part of Exact Sciences
Classification: Likely benign for ACTN4-related condition. Last evaluated: 2022-03-02. Review status: no assertion criteria provided. Collection method: clinical testing. Allele origin: germline. Not counted in ClinVar's aggregate classification.
Comment: This variant is classified as likely benign based on ACMG/AMP sequence variant interpretation guidelines (Richards et al. 2015 PMID: 25741868, with internal and published modifications).